The following is an entry in ClinVar:

NM_001126108.2(SLC12A3):c.2830GAG[1] (p.Glu945del)

Gene: SLC12A3 (solute carrier family 12 member 3; plus strand). Cytogenetic location: 16q13.
Variant type: Microsatellite.
Coding change: c.2830GAG[1] on transcript NM_001126108.2 (MANE Select); one copy of the 3-base unit GAG starting at c.2830; the reference has two copies in a row; one copy, 3 bases deleted.
Protein change: p.Glu945del; deletes glutamic acid 945.
Molecular consequence: inframe deletion.
Genome position (GRCh38, 1-based): chr16:56,902,485-56,902,487, GAG deleted; deleting any 3 consecutive bases within chr16:56,902,482-56,902,487 gives the same sequence; the position shown is the placement nearest the transcript's 3' end. VCF-style (leftmost placement, unchanged base first): chr16-56902481-TGAG-T. GRCh37 (hg19) VCF-style: chr16-56936393-TGAG-T.
Other names: c.2857GAG[1], p.Glu954del (NM_000339.3); c.2854GAG[1], p.Glu953del (NM_001126107.2); c.2827GAG[1], p.Glu944del (NM_001410896.1); short protein forms E954del, E945del, E953del, E944del.
Identifiers: ClinVar variation 2985897 (VCV002985897.3), dbSNP rs2543557968, ClinGen allele CA2633375664.

ClinVar aggregate classification (germline): Uncertain significance (1 of 4 stars; one submission).

Submission:

Labcorp Genetics (formerly Invitae), Labcorp
Classification: Uncertain significance. Last evaluated: 2024-01-31. Review status: criteria provided, single submitter. Criteria: Invitae Variant Classification Sherloc (09022015). Collection method: clinical testing. Allele origin: germline.
Comment: This variant, c.2860_2862del, results in the deletion of 1 amino acid(s) of the SLC12A3 protein (p.Glu954del), but otherwise preserves the integrity of the reading frame. This variant is not present in population databases (gnomAD no frequency). This variant has not been reported in the literature in individuals affected with SLC12A3-related conditions. Experimental studies and prediction algorithms are not available or were not evaluated, and the functional significance of this variant is currently unknown. In summary, the available evidence is currently insufficient to determine the role of this variant in disease. Therefore, it has been classified as a Variant of Uncertain Significance.